The following is an entry in ClinVar:

ClinVar aggregate classification (germline): Uncertain significance (1 of 4 stars; one submission).

Conditions:
Epileptic encephalopathy. Identifiers: MedGen C0543888, HP:0200134.

gnomAD v4.1: 2 of 1,416,938 alleles (0.00014%); highest among the groups gnomAD compares: Non-Finnish European, 0.000092%; no homozygotes.

Submission:

Labcorp Genetics (formerly Invitae), Labcorp
Classification: Uncertain significance for Epileptic encephalopathy. Last evaluated: 2021-10-11. Review status: criteria provided, single submitter. Criteria: Invitae Variant Classification Sherloc (09022015). Collection method: clinical testing. Allele origin: germline.
Comment: This sequence change creates a premature translational stop signal (p.Arg935*) in the GABBR2 gene. While this is not anticipated to result in nonsense mediated decay, it is expected to disrupt the last 7 amino acid(s) of the GABBR2 protein. This variant is not present in population databases (ExAC no frequency). This premature translational stop signal has been observed in individual(s) with clinical features of GABBR2-related conditions (Invitae). Experimental studies and prediction algorithms are not available or were not evaluated, and the functional significance of this variant is currently unknown. In summary, the available evidence is currently insufficient to determine the role of this variant in disease. Therefore, it has been classified as a Variant of Uncertain Significance.

NM_005458.8(GABBR2):c.2803C>T (p.Arg935Ter)

Gene: GABBR2 (gamma-aminobutyric acid type B receptor subunit 2; minus strand). Cytogenetic location: 9q22.33.
Variant type: single nucleotide variant.
Coding change: c.2803C>T on transcript NM_005458.8 (MANE Select); coding-DNA position 2803, C replaced by T.
Protein change: p.Arg935Ter; replaces arginine 935 with a stop codon.
Molecular consequence: nonsense.
Genome position (GRCh38, 1-based): chr9:98,290,607, G>A on the plus strand (C>T on the coding strand, the complement: GABBR2 is on the minus strand). VCF-style: chr9-98290607-G-A. GRCh37 (hg19) VCF-style: chr9-101052889-G-A.
Other names: short protein forms R935*.
Identifiers: ClinVar variation 1481984 (VCV001481984.6), dbSNP rs1238294679, ClinGen allele CA374209107.